The following is an entry in ClinVar:

NM_000642.3(AGL):c.2546+1G>A

Gene: AGL (amylo-alpha-1,6-glucosidase and 4-alpha-glucanotransferase; plus strand). Cytogenetic location: 1p21.2.
Variant type: single nucleotide variant.
Coding change: c.2546+1G>A on transcript NM_000642.3 (MANE Select); the canonical splice donor site of the intron after coding-DNA position 2546, G replaced by A.
Molecular consequence: splice donor variant.
Genome position (GRCh38, 1-based): chr1:99,884,452, G>A. VCF-style: chr1-99884452-G-A. GRCh37 (hg19) VCF-style: chr1-100350008-G-A.
Other names: c.2546+1G>A (NM_001425325.1, NM_000028.3, NM_000643.3 and 2 more transcripts); c.2498+1G>A (NM_000646.3); c.2345+1G>A (NM_001425327.1); c.2342+1G>A (NM_001425328.1, NM_001425329.1); c.2168+1G>A (NM_001425332.1).
Identifiers: ClinVar variation 2733958 (VCV002733958.3), dbSNP rs1652293307, ClinGen allele CA341321461.

ClinVar aggregate classification (germline): Pathogenic (1 of 4 stars; one submission).

Conditions:
Glycogen storage disease type III (GSD3). Also called: Cori disease; FORBES DISEASE. Identifiers: Orphanet 366, MedGen C0017922, MONDO:0009291, OMIM 232400.

Submission:

Labcorp Genetics (formerly Invitae), Labcorp
Classification: Pathogenic for Glycogen storage disease type III. Last evaluated: 2023-09-04. Review status: criteria provided, single submitter. Criteria: Invitae Variant Classification Sherloc (09022015). Collection method: clinical testing. Allele origin: germline.
Comment: Algorithms developed to predict the effect of sequence changes on RNA splicing suggest that this variant may disrupt the consensus splice site. Disruption of this splice site has been observed in individual(s) with glycogen storage disease type III (PMID: 26984562). In at least one individual the data is consistent with being in trans (on the opposite chromosome) from a pathogenic variant. This variant is not present in population databases (gnomAD no frequency). This sequence change affects a donor splice site in intron 19 of the AGL gene. It is expected to disrupt RNA splicing. Variants that disrupt the donor or acceptor splice site typically lead to a loss of protein function (PMID: 16199547), and loss-of-function variants in AGL are known to be pathogenic (PMID: 19299494). For these reasons, this variant has been classified as Pathogenic.

Literature cited by the submitters: PubMed 26984562; PubMed 16199547; PubMed 19299494.